The following is an entry in ClinVar:

NM_025132.4(WDR19):c.2563-3T>C

Gene: WDR19 (WD repeat domain 19; plus strand). Cytogenetic location: 4p14.
Variant type: single nucleotide variant.
Coding change: c.2563-3T>C on transcript NM_025132.4 (MANE Select); 3 bases into the intron before coding-DNA position 2563, T replaced by C.
Molecular consequence: intron variant.
Genome position (GRCh38, 1-based): chr4:39,244,467, T>C. VCF-style: chr4-39244467-T-C. GRCh37 (hg19) VCF-style: chr4-39246087-T-C.
Other names: c.2083-3T>C (NM_001317924.2).
Identifiers: ClinVar variation 1955010 (VCV001955010.5), dbSNP rs1315295050, ClinGen allele CA550719906.
Genomic context (GRCh38, chr4:39,244,467, plus strand): 5'-CAATATACATGTGGTCTTTTATACATAATAACTTAGTATTTTAATAATCCTGTCTTATTT[T>C]AGCAATTTTCAGAAGCGGCCCAACTGTATGAAAAAGGTCTCTACTACGATAAAGCAGCAT-3'

ClinVar aggregate classification (germline): Uncertain significance (1 of 4 stars; one submission).

Conditions:
Asphyxiating thoracic dystrophy 5 (SRTD5). Also called: SHORT-RIB THORACIC DYSPLASIA 5 WITH OR WITHOUT POLYDACTYLY; SHORT-RIB THORACIC DYSPLASIA 5 WITHOUT POLYDACTYLY. Identifiers: Orphanet 474, MedGen C3280598, MONDO:0013717, OMIM 614376.
Senior-Loken syndrome 8 (SLSN8). Identifiers: Orphanet 3156, MedGen C4225376, MONDO:0014579, OMIM 616307.

Allele frequency attached by ClinVar (database versions not stated): TOPMed 0.00001.

Submission:

Labcorp Genetics (formerly Invitae), Labcorp
Classification: Uncertain significance for Senior-Loken syndrome 8; Asphyxiating thoracic dystrophy 5. Last evaluated: 2022-04-07. Review status: criteria provided, single submitter. Criteria: Invitae Variant Classification Sherloc (09022015). Collection method: clinical testing. Allele origin: germline.
Comment: In summary, the available evidence is currently insufficient to determine the role of this variant in disease. Therefore, it has been classified as a Variant of Uncertain Significance. Variants that disrupt the consensus splice site are a relatively common cause of aberrant splicing (PMID: 17576681, 9536098). Algorithms developed to predict the effect of sequence changes on RNA splicing suggest that this variant is not likely to affect RNA splicing. This variant has not been reported in the literature in individuals affected with WDR19-related conditions. This variant is present in population databases (no rsID available, gnomAD 0.006%). This sequence change falls in intron 22 of the WDR19 gene. It does not directly change the encoded amino acid sequence of the WDR19 protein. It affects a nucleotide within the consensus splice site.

Literature cited by the submitters: PubMed 17576681; PubMed 9536098.